The following is an entry in ClinVar:

NM_001382391.1(CSPP1):c.2381_2382del (p.Lys794fs)

Gene: CSPP1 (centrosome and spindle pole associated protein 1; plus strand). Cytogenetic location: 8q13.2.
Variant type: Deletion.
Coding change: c.2381_2382del on transcript NM_001382391.1 (MANE Select); coding-DNA positions 2381 to 2382, 2 bases deleted (AA; older notation c.2381_2382delAA).
Protein change: p.Lys794fs; shifts the reading frame from lysine 794.
Molecular consequence: frameshift variant.
Genome position (GRCh38, 1-based): chr8:67,158,586-67,158,587, AA deleted; deleting any 2 consecutive bases within chr8:67,158,585-67,158,587 gives the same sequence; the c. name uses the placement nearest the transcript's 3' end. VCF-style (leftmost placement, unchanged base first): chr8-67158584-GAA-G. GRCh37 (hg19) VCF-style: chr8-68070819-GAA-G.
Other names: c.1331_1332del, p.Lys444fs (NM_001291339.2); c.2300_2301del, p.Lys767fs (NM_001363131.2); c.2186_2187del, p.Lys729fs (NM_001363132.2); c.2105_2106del, p.Lys702fs (NM_001363133.2); c.2447_2448del, p.Lys816fs (NM_001364869.1); c.2267_2268del, p.Lys756fs (NM_001364870.1); c.2366_2367delAA, p.Lys789Argfs (NM_024790.7); short protein forms K444fs, K702fs, K729fs, K756fs, K767fs, K789fs, K794fs, K816fs.
Identifiers: ClinVar variation 918073 (VCV000918073.4), dbSNP rs1827118960, ClinGen allele CA1139660593.

ClinVar aggregate classification (germline): Likely pathogenic. Review status: criteria provided, multiple submitters, no conflicts (2 of 4 stars). 2 submissions from 2 submitters: Likely pathogenic (2). Last evaluated 2020-03-26.

Conditions:
Joubert syndrome 21 (JBTS21). Identifiers: MedGen C3810212, MONDO:0014288, OMIM 615636.

Submissions (2):

Institute of Human Genetics, Clinical Exome/Genome Diagnostics Group, University Hospital Bonn
Classification: Likely pathogenic for Joubert syndrome 21. Last evaluated: 2020-03-26. Review status: criteria provided, single submitter. Criteria: ACMG Guidelines, 2015. Collection method: clinical testing. Allele origin: germline. Affected: yes.

Institute for Genomic Statistics and Bioinformatics, University Hospital Bonn
Classification: Likely pathogenic for Joubert syndrome 21. Review status: criteria provided, single submitter. Criteria: ACMG Guidelines, 2015. Collection method: clinical testing. Allele origin: germline. Inheritance: Autosomal recessive inheritance. Affected: yes. Observed: 1 homozygote.
Comment: In the CSPP1 gene (transcript: NM_024790.6), the homozygous frameshift variant c.2366_2367del; p.(Lys789Argfs*9) was detected in exon 18. This germ line variant leads to a shift of the reading frame and after eight wrong amino acids to a premature stop codon. This variant is not recorded in population-based and phanotype-based databases. The ACMG classification for this variant is: probably pathogenic (class 4: PVS1, PM2). Translated with (free version) Certain pathogenic germline variants in the CSPP1 gene can trigger type 21 of the autosomal recessive inherited Joubert syndrome (OMIM # 615636). Patients typically have three findings: a certain malformation of the cerebellum and brain stem ('molar tooth sign'), hypotension and delayed development. In addition, there are often episodic tachypnea, apnea, atypical eye movements. In addition, there may be retinal dystrophy, kidney disease, colobomas of the eye, occipital encephalocele, hepatic fibrosis, polydactyly, oral hamartomas and endocrine abnormalities. Other abnormalities in the patient such as hearing loss, cleft lip and palate, atrophy of the optic nerve, midface hypoplasia or heart defects have also been reported (GeneReviews Joubert syndrome, PMID 24360808 and 18000967).